The following is an entry in ClinVar:

ClinVar aggregate classification (germline): Benign/Likely benign. Review status: criteria provided, multiple submitters, no conflicts (2 of 4 stars). 14 submissions from 11 submitters: Benign (5); Likely benign (5). 4 of the submissions do not count toward it. Last evaluated 2026-01-21.

Conditions:
TTN-related disorder. Also called: TTN-related condition; TTN-related disease; TTN-related disorders.
Dilated cardiomyopathy 1G (CMD1G). Identifiers: Orphanet 154, MedGen C1858763, MONDO:0011400, OMIM 604145.
Autosomal recessive limb-girdle muscular dystrophy type 2J (LGMDR10). Also called: Limb-girdle muscular dystrophy, type 2J; MUSCULAR DYSTROPHY, LIMB-GIRDLE, AUTOSOMAL RECESSIVE 10. Identifiers: Orphanet 140922, MedGen C1837342, MONDO:0012127, OMIM 608807.
Cardiomyopathy (CMYO). Also called: Cardiomyopathies. Identifiers: Orphanet 167848, MedGen C0878544, MONDO:0004994, HP:0001638. Inheritance: Various modes of inheritance.
Early-onset myopathy with fatal cardiomyopathy (CMYO5). Also called: Salih Myopathy; CONGENITAL MYOPATHY 5 WITH CARDIOMYOPATHY. Identifiers: Orphanet 289377, MedGen C2673677, MONDO:0012714, OMIM 611705. Disease mechanism: loss of function.
Myopathy, myofibrillar, 9, with early respiratory failure (MFM9). Also called: Hereditary myopathy with early respiratory failure; Myopathy, distal, with early respiratory failure, autosomal dominant; EDSTROM MYOPATHY; MYOPATHY, PROXIMAL, WITH EARLY RESPIRATORY MUSCLE INVOLVEMENT. Identifiers: Orphanet 178464, Orphanet 34521, MedGen C1863599, MONDO:0011362, OMIM 603689.
Tibial muscular dystrophy (TMD). Also called: Udd Distal Myopathy – Tibial Muscular Dystrophy; Tibial muscular dystrophy, tardive; UDD MYOPATHY. Identifiers: Orphanet 609, MedGen C1838244, MONDO:0010870, OMIM 600334.

Allele frequency attached by ClinVar (database versions not stated): ESP Exome Variant Server 0.00008; TOPMed 0.00009; ExAC 0.00012; gnomAD 0.00015 and 0.00016; gnomAD exomes 0.00017.
gnomAD v4.1: 391 of 1,611,552 alleles (0.024%); highest among the groups gnomAD compares: Non-Finnish European, 0.032%; no homozygotes.

Submissions (14):

Labcorp Genetics (formerly Invitae), Labcorp
Classification: Likely benign for Dilated cardiomyopathy 1G; Autosomal recessive limb-girdle muscular dystrophy type 2J. Last evaluated: 2026-01-21. Review status: criteria provided, single submitter. Criteria: Invitae Variant Classification Sherloc (09022015). Collection method: clinical testing. Allele origin: germline.

CeGaT Center for Human Genetics Tuebingen
Classification: Likely benign. Last evaluated: 2025-10-01. Review status: criteria provided, single submitter. Criteria: CeGaT Center For Human Genetics Tuebingen Variant Classification Criteria Version 2. Collection method: clinical testing. Allele origin: germline. Affected: yes. Observed: 5 variant alleles.
Comment: TTN: BP4, BP7

Blueprint Genetics
Classification: Likely benign. Last evaluated: 2022-10-07. Review status: criteria provided, single submitter. Criteria: ACMG Guidelines, 2015. Collection method: clinical testing. Allele origin: germline.

CHEO Genetics Diagnostic Laboratory, Children's Hospital of Eastern Ontario
Classification: Likely benign for Cardiomyopathy. Last evaluated: 2022-03-15. Review status: criteria provided, single submitter. Criteria: ACMG Guidelines, 2015. Collection method: clinical testing. Allele origin: germline. Study: Canadian Open Genetics Repository.

Genome-Nilou Lab
Classification: Benign for Autosomal recessive limb-girdle muscular dystrophy type 2J. Last evaluated: 2021-09-10. Review status: criteria provided, single submitter. Criteria: ACMG Guidelines, 2015. Collection method: clinical testing. Allele origin: germline. Affected: no.

Genome-Nilou Lab
Classification: Benign for Myopathy, myofibrillar, 9, with early respiratory failure. Last evaluated: 2021-09-10. Review status: criteria provided, single submitter. Criteria: ACMG Guidelines, 2015. Collection method: clinical testing. Allele origin: germline. Affected: no.

Genome-Nilou Lab
Classification: Benign for Early-onset myopathy with fatal cardiomyopathy. Last evaluated: 2021-09-10. Review status: criteria provided, single submitter. Criteria: ACMG Guidelines, 2015. Collection method: clinical testing. Allele origin: germline. Affected: no.

Genome-Nilou Lab
Classification: Benign for Tibial muscular dystrophy. Last evaluated: 2021-09-10. Review status: criteria provided, single submitter. Criteria: ACMG Guidelines, 2015. Collection method: clinical testing. Allele origin: germline. Affected: no.

GeneDx
Classification: Benign. Last evaluated: 2015-06-25. Review status: criteria provided, single submitter. Criteria: GeneDx Variant Classification (06012015). Collection method: clinical testing. Allele origin: germline. Affected: yes.
Comment: This variant is considered likely benign or benign based on one or more of the following criteria: it is a conservative change, it occurs at a poorly conserved position in the protein, it is predicted to be benign by multiple in silico algorithms, and/or has population frequency not consistent with disease.

Laboratory for Molecular Medicine, Mass General Brigham Personalized Medicine
Classification: Likely benign. Last evaluated: 2012-01-26. Review status: criteria provided, single submitter. Criteria: LMM Criteria. Collection method: clinical testing. Allele origin: germline. Observed: 1 variant allele.
Comment: Lys5680Lys in exon 68 of TTN: This variant is not expected to have clinical sign ificance because it does not alter an amino acid residue and is not located with in the splice consensus sequence. This variant has also been identified in 1/668 4 European American chromosomes by the NHLBI Exome sequencing project in broad p opulation. Lys5680Lys in exon 68 of TTN (al lele frequency = 1/6684) **

PreventionGenetics, part of Exact Sciences
Classification: Likely benign for TTN-related condition. Last evaluated: 2020-09-25. Review status: no assertion criteria provided. Collection method: clinical testing. Allele origin: germline. Not counted in ClinVar's aggregate classification.
Comment: This variant is classified as likely benign based on ACMG/AMP sequence variant interpretation guidelines (Richards et al. 2015 PMID: 25741868, with internal and published modifications).

Clinical Genetics DNA and cytogenetics Diagnostics Lab, Erasmus MC, Erasmus Medical Center
Classification: Likely benign. Review status: no assertion criteria provided. Collection method: clinical testing. Allele origin: germline. Affected: yes. Study: VKGL Data-share Consensus. Not counted in ClinVar's aggregate classification.

Clinical Genetics, Academic Medical Center
Classification: Benign. Review status: no assertion criteria provided. Collection method: clinical testing. Allele origin: germline. Affected: yes. Study: VKGL Data-share Consensus. Not counted in ClinVar's aggregate classification.

Diagnostic Laboratory, Department of Genetics, University Medical Center Groningen
Classification: Likely benign. Review status: no assertion criteria provided. Collection method: clinical testing. Allele origin: germline. Affected: yes. Study: VKGL Data-share Consensus. Not counted in ClinVar's aggregate classification.

NM_001267550.2(TTN):c.20772G>A (p.Lys6924=)

Gene: TTN (titin; minus strand). Cytogenetic location: 2q31.2.
Variant type: single nucleotide variant.
Coding change: c.20772G>A on transcript NM_001267550.2 (MANE Select); coding-DNA position 20772, G replaced by A.
Protein change: p.Lys6924=; no amino-acid change (lysine 6924 retained).
Molecular consequence: synonymous variant. On other transcripts: intron variant (3).
Genome position (GRCh38, 1-based): chr2:178,725,432, C>T on the plus strand (G>A on the coding strand, the complement: TTN is on the minus strand). VCF-style: chr2-178725432-C-T. GRCh37 (hg19) VCF-style: chr2-179590159-C-T.
Other names: c.19821G>A, p.Lys6607= (NM_001256850.1); c.17040G>A, p.Lys5680= (NM_133378.4); c.13282+12650G>A (NM_003319.4); c.13858+12650G>A (NM_133437.4); c.13657+12650G>A (NM_133432.3).
Identifiers: ClinVar variation 46674 (VCV000046674.69), dbSNP rs369993514, ClinGen allele CA138926.
Genomic context (GRCh38, chr2:178,725,432, plus strand): 5'-GACCATCAGTGTGGCCATGTTCTCCCTCATTCCACCATCATTCTTGATTTGGCAGATATA[C>T]TTTCCAGCATTAGCTGGCTCTGCTTTTGCAAACTGTAGAGTTGCAACATTTTCCACAAAT-3'
Protein context (NP_001254479.2, residues 6914-6934): FAKAEPANAG[Lys6924=]YICQIKNDGG